The following is an entry in ClinVar:

ClinVar aggregate classification (germline): Conflicting classifications of pathogenicity. Review status: criteria provided, conflicting classifications (1 of 4 stars). 3 submissions from 3 submitters: Uncertain significance (2); Likely benign (1). Last evaluated 2025-11-17.

Conditions:
Hereditary cancer-predisposing syndrome. Also called: Neoplastic Syndromes, Hereditary; Tumor predisposition; Hereditary neoplastic syndrome; Hereditary Cancer Syndrome. Identifiers: Orphanet 140162, MedGen C0027672, MeSH D009386, MONDO:0015356.
Hereditary breast ovarian cancer syndrome. Also called: Hereditary breast and ovarian cancer syndrome; Hereditary breast and ovarian cancer; BRCA1- and BRCA2-Associated Hereditary Breast and Ovarian Cancer; Hereditary breast and/or ovarian cancer syndrome; Hereditary breast and ovarian cancer syndrome (HBOC); Breast and ovarian cancer. Identifiers: Orphanet 145, MedGen C0677776, MeSH D061325, MONDO:0003582. Disease mechanism: loss of function.

Allele frequency attached by ClinVar (database versions not stated): gnomAD exomes below 0.00001.
gnomAD v4.1: 1 of 1,614,088 alleles (0.000062%); highest among the groups gnomAD compares: Non-Finnish European, 0.000085%; no homozygotes.

Submissions (3):

Labcorp Genetics (formerly Invitae), Labcorp
Classification: Uncertain significance for Hereditary breast ovarian cancer syndrome. Last evaluated: 2025-11-17. Review status: criteria provided, single submitter. Criteria: Invitae Variant Classification Sherloc (09022015). Collection method: clinical testing. Allele origin: germline.
Comment: This sequence change replaces phenylalanine, which is neutral and non-polar, with serine, which is neutral and polar, at codon 709 of the BRCA1 protein (p.Phe709Ser). This variant is not present in population databases (gnomAD no frequency). This variant has not been reported in the literature in individuals affected with BRCA1-related conditions. ClinVar contains an entry for this variant (Variation ID: 1387599). Invitae Evidence Modeling of protein sequence and biophysical properties (such as structural, functional, and spatial information, amino acid conservation, physicochemical variation, residue mobility, and thermodynamic stability) indicates that this missense variant is not expected to disrupt BRCA1 protein function with a negative predictive value of 80%. In summary, the available evidence is currently insufficient to determine the role of this variant in disease. Therefore, it has been classified as a Variant of Uncertain Significance.

University of Washington Department of Laboratory Medicine, University of Washington
Classification: Likely benign for Hereditary cancer-predisposing syndrome. Last evaluated: 2023-03-23. Review status: criteria provided, single submitter. Criteria: Dines et al. (Genet Med. 2020). Collection method: curation. Allele origin: germline.
Comment: Missense variant in a coldspot region where missense variants are very unlikely to be pathogenic (PMID:31911673).

BRCA1 coldspot (exon 11 using historical exon numbering). Reclassification based on statistical prior probability

Ambry Genetics
Classification: Uncertain significance for Hereditary cancer-predisposing syndrome. Last evaluated: 2023-02-10. Review status: criteria provided, single submitter. Criteria: Ambry Variant Classification Scheme 2023. Collection method: clinical testing. Allele origin: germline.
Comment: The p.F709S variant (also known as c.2126T>C), located in coding exon 9 of the BRCA1 gene, results from a T to C substitution at nucleotide position 2126. The phenylalanine at codon 709 is replaced by serine, an amino acid with highly dissimilar properties. This amino acid position is conserved. In addition, the in silico prediction for this alteration is inconclusive. Since supporting evidence is limited at this time, the clinical significance of this alteration remains unclear.

NM_007294.4(BRCA1):c.2126T>C (p.Phe709Ser)

Gene: BRCA1 (BRCA1 DNA repair associated; minus strand). Cytogenetic location: 17q21.31.
Variant type: single nucleotide variant.
Coding change: c.2126T>C on transcript NM_007294.4 (MANE Select); coding-DNA position 2126, T replaced by C.
Protein change: p.Phe709Ser; replaces phenylalanine 709 with serine.
Molecular consequence: missense variant. On other transcripts: intron variant (137).
Genome position (GRCh38, 1-based): chr17:43,093,405, A>G on the plus strand (T>C on the coding strand, the complement: BRCA1 is on the minus strand). VCF-style: chr17-43093405-A-G. GRCh37 (hg19) VCF-style: chr17-41245422-A-G.
Other names: c.646+1339T>C (NM_001408458.1, NM_001408469.1, NM_001408453.1 and 11 more transcripts); c.283+1339T>C (NM_001408512.1); c.406+1339T>C (NM_001408510.1); c.643+1339T>C (NM_001408470.1, NM_001408464.1, NM_001408468.1 and 3 more transcripts); c.784+1339T>C (NM_001408397.1, NM_001408401.1, NM_001408396.1 and 13 more transcripts); c.664+1339T>C (NM_001408436.1, NM_001408444.1, NM_001408438.1 and 12 more transcripts); c.787+1339T>C (NM_001407980.1, NM_001407993.1, NM_001407976.1 and 17 more transcripts); c.652+1339T>C (NM_001408451.1); and 41 more; short protein forms F709S, F662S, F598S, F667S, F682S, F413S, F581S, F641S.
Identifiers: ClinVar variation 1387599 (VCV001387599.11), dbSNP rs1567796937, ClinGen allele CA10597753.